The following is an entry in ClinVar:

ClinVar aggregate classification (germline): Uncertain significance. Review status: criteria provided, multiple submitters, no conflicts (2 of 4 stars). 3 submissions from 3 submitters: Uncertain significance (3). Last evaluated 2024-06-25.

Conditions:
Inborn genetic diseases. Identifiers: MedGen C0950123, MeSH D030342.

Allele frequency attached by ClinVar (database versions not stated): ExAC 0.00002; gnomAD exomes 0.00002.

Submissions (3):

Ambry Genetics
Classification: Uncertain significance for Inborn genetic diseases. Last evaluated: 2024-06-25. Review status: criteria provided, single submitter. Criteria: Ambry Variant Classification Scheme 2023. Collection method: clinical testing. Allele origin: germline.

Labcorp Genetics (formerly Invitae), Labcorp
Classification: Uncertain significance. Last evaluated: 2024-02-07. Review status: criteria provided, single submitter. Criteria: Invitae Variant Classification Sherloc (09022015). Collection method: clinical testing. Allele origin: germline.
Comment: This sequence change replaces asparagine, which is neutral and polar, with serine, which is neutral and polar, at codon 282 of the EMC1 protein (p.Asn282Ser). This variant is present in population databases (rs749555107, gnomAD 0.009%). This variant has not been reported in the literature in individuals affected with EMC1-related conditions. ClinVar contains an entry for this variant (Variation ID: 1416978). Advanced modeling of protein sequence and biophysical properties (such as structural, functional, and spatial information, amino acid conservation, physicochemical variation, residue mobility, and thermodynamic stability) performed at Invitae indicates that this missense variant is not expected to disrupt EMC1 protein function with a negative predictive value of 80%. In summary, the available evidence is currently insufficient to determine the role of this variant in disease. Therefore, it has been classified as a Variant of Uncertain Significance.

Laboratorio de Genetica e Diagnostico Molecular, Hospital Israelita Albert Einstein
Classification: Uncertain significance. Last evaluated: 2019-10-06. Review status: criteria provided, single submitter. Criteria: ACMG Guidelines, 2015. Collection method: clinical testing. Allele origin: germline. Affected: yes.
Comment: ACMG classification criteria: PM2, BP4

NM_015047.3(EMC1):c.845A>G (p.Asn282Ser)

Genes: EMC1 (ER membrane protein complex subunit 1; minus strand), EMC1-AS1 (EMC1 antisense RNA 1; plus strand). Cytogenetic location: 1p36.13.
Variant type: single nucleotide variant.
Coding change: c.845A>G on transcript NM_015047.3 (MANE Select); coding-DNA position 845, A replaced by G.
Protein change: p.Asn282Ser; replaces asparagine 282 with serine.
Molecular consequence: missense variant.
Genome position (GRCh38, 1-based): chr1:19,239,927, T>C on the plus strand (A>G on the coding strand, the complement: EMC1 is on the minus strand). VCF-style: chr1-19239927-T-C. GRCh37 (hg19) VCF-style: chr1-19566421-T-C.
Other names: c.845A>G, p.Asn282Ser (NM_001271427.2, NM_001271428.2, NM_001375820.1 and 1 more transcripts); c.779A>G, p.Asn260Ser (NM_001271429.2); c.845A>G (NM_015047.1); short protein forms N282S, N260S.
Identifiers: ClinVar variation 1416978 (VCV001416978.8), dbSNP rs749555107, ClinGen allele CA652774.